The following is an entry in ClinVar:

NM_001364171.2(ODAD1):c.1050del (p.His350fs)

Gene: ODAD1 (outer dynein arm docking complex subunit 1; minus strand). Cytogenetic location: 19q13.33.
Variant type: Deletion.
Coding change: c.1050del on transcript NM_001364171.2 (MANE Select); coding-DNA position 1050, one base deleted (T; older notation c.1050delT).
Protein change: p.His350fs; shifts the reading frame from histidine 350.
Molecular consequence: frameshift variant.
Genome position (GRCh38, 1-based): chr19:48,303,034, A deleted on the plus strand (T on the coding strand, the reverse complement: ODAD1 is on the minus strand). VCF-style (leftmost placement, unchanged base first): chr19-48303033-CA-C. GRCh37 (hg19) VCF-style: chr19-48806290-CA-C.
Other names: c.939del, p.His313fs (NM_144577.4); short protein forms H313fs, H350fs.
Identifiers: ClinVar variation 39641 (VCV000039641.3), dbSNP rs606231240, ClinGen allele CA130419.

ClinVar aggregate classification (germline): Pathogenic. Review status: criteria provided, single submitter (1 of 4 stars). 2 submissions from 2 submitters: Pathogenic (1). 1 of the submissions does not count toward it. Last evaluated 2025-02-03.

Conditions:
Adams-Oliver syndrome 5 (AOS5). Identifiers: Orphanet 974, MedGen C4014970, MONDO:0014459, OMIM 616028.
Primary ciliary dyskinesia 20. Also called: CILIARY DYSKINESIA, PRIMARY, 20, WITH OR WITHOUT SITUS INVERSUS. Identifiers: Orphanet 244, MedGen C3540844, MONDO:0014030, OMIM 615067.

Allele frequency attached by ClinVar (database versions not stated): gnomAD exomes 0.00002 and 0.00001; TOPMed 0.00002; gnomAD 0.00001; ExAC 0.00002.

Submissions (2):

Johns Hopkins Genomics, Johns Hopkins University
Classification: Pathogenic for Adams-Oliver syndrome 5. Last evaluated: 2025-02-03. Review status: criteria provided, single submitter. Criteria: ACMG Guidelines, 2015. Collection method: clinical testing. Allele origin: germline.
Comment: This ODAD1 variant has been identified two siblings with primary ciliary dyskinesia. This variant (rs606231240) is rare (<0.1%) in a large population dataset (gnomAD: 14/1613954 total alleles; 0.0009%; no homozygotes) and has been reported in ClinVar (Variation ID: 39641). This frameshift variant results in a premature stop codon in exon 12 of 16 likely leading to nonsense-mediated decay and lack of protein production. We consider ODAD1 c.1050del to be pathogenic.

OMIM
Classification: Pathogenic for CILIARY DYSKINESIA, PRIMARY, 20. Last evaluated: 2013-01-10. Review status: no assertion criteria provided. Collection method: literature only. Allele origin: germline. Not counted in ClinVar's aggregate classification.

Literature cited by the submitters: PubMed 23261302 (cited by Johns Hopkins Genomics, Johns Hopkins University and OMIM); PubMed 25802884 (cited by Johns Hopkins Genomics, Johns Hopkins University).